The following is an entry in ClinVar:

ClinVar aggregate classification (germline): Uncertain significance (1 of 4 stars; one submission).

Conditions:
Aniridia 1 (AN1). Identifiers: Orphanet 250923, MedGen C0344542, MONDO:0024507, OMIM 106210.
Irido-corneo-trabecular dysgenesis (ASGD5). Also called: ANTERIOR SEGMENT DYSGENESIS 5. Identifiers: Orphanet 708, MedGen C0344559, MONDO:0011414, OMIM 604229, HP:0000659.

Submission:

Labcorp Genetics (formerly Invitae), Labcorp
Classification: Uncertain significance for Aniridia 1; Irido-corneo-trabecular dysgenesis. Last evaluated: 2024-09-16. Review status: criteria provided, single submitter. Criteria: Invitae Variant Classification Sherloc (09022015). Collection method: clinical testing. Allele origin: germline.
Comment: This sequence change replaces leucine, which is neutral and non-polar, with valine, which is neutral and non-polar, at codon 146 of the PAX6 protein (p.Leu146Val). This variant is not present in population databases (gnomAD no frequency). This variant has not been reported in the literature in individuals affected with PAX6-related conditions. ClinVar contains an entry for this variant (Variation ID: 2120967). Invitae Evidence Modeling of protein sequence and biophysical properties (such as structural, functional, and spatial information, amino acid conservation, physicochemical variation, residue mobility, and thermodynamic stability) indicates that this missense variant is not expected to disrupt PAX6 protein function with a negative predictive value of 80%. Algorithms developed to predict the effect of sequence changes on RNA splicing suggest that this variant may create or strengthen a splice site. In summary, the available evidence is currently insufficient to determine the role of this variant in disease. Therefore, it has been classified as a Variant of Uncertain Significance.

NM_001368894.2(PAX6):c.478C>G (p.Leu160Val)

Gene: PAX6 (paired box 6; minus strand). Cytogenetic location: 11p13.
Variant type: single nucleotide variant.
Coding change: c.478C>G on transcript NM_001368894.2 (MANE Select); coding-DNA position 478, C replaced by G.
Protein change: p.Leu160Val; replaces leucine 160 with valine.
Molecular consequence: missense variant. On other transcripts: non-coding transcript variant (2).
Genome position (GRCh38, 1-based): chr11:31,800,778, G>C on the plus strand (C>G on the coding strand, the complement: PAX6 is on the minus strand). VCF-style: chr11-31800778-G-C. GRCh37 (hg19) VCF-style: chr11-31822326-G-C.
Other names: c.436C>G, p.Leu146Val (NM_000280.6, NM_001127612.3, NM_001258464.2 and 10 more transcripts); c.478C>G, p.Leu160Val (NM_001258462.3, NM_001258463.2, NM_001310158.2 and 6 more transcripts); c.28C>G, p.Leu10Val (NM_001310160.2, NM_001310161.3, NM_001368899.2 and 11 more transcripts); c.679C>G, p.Leu227Val (NM_001368910.2); c.481C>G, p.Leu161Val (NM_001368911.2); c.553C>G, p.Leu185Val (NM_001368918.2, NM_001368919.2); c.511C>G, p.Leu171Val (NM_001368920.2); c.277C>G, p.Leu93Val (NM_001368921.2, NM_001368922.2, NM_001368923.2 and 4 more transcripts); and 1 more; short protein forms L171V, L79V, L10V, L146V, L160V, L185V, L227V, L161V.
Identifiers: ClinVar variation 2120967 (VCV002120967.4), dbSNP rs2495989262, ClinGen allele CA379958174.